The following is an entry in ClinVar:

NM_001563.4(IMPG1):c.82A>G (p.Ile28Val)

Gene: IMPG1 (interphotoreceptor matrix proteoglycan 1; minus strand). Cytogenetic location: 6q14.1.
Variant type: single nucleotide variant.
Coding change: c.82A>G on transcript NM_001563.4 (MANE Select); coding-DNA position 82, A replaced by G.
Protein change: p.Ile28Val; replaces isoleucine 28 with valine.
Molecular consequence: missense variant. On other transcripts: intron variant (1).
Genome position (GRCh38, 1-based): chr6:76,042,112, T>C on the plus strand (A>G on the coding strand, the complement: IMPG1 is on the minus strand). VCF-style: chr6-76042112-T-C. GRCh37 (hg19) VCF-style: chr6-76751829-T-C.
Other names: c.68-7325A>G (NM_001282368.2); short protein forms I28V.
Identifiers: ClinVar variation 1713688 (VCV001713688.5), dbSNP rs2481539340, ClinGen allele CA364830013.

ClinVar aggregate classification (germline): Uncertain significance (1 of 4 stars; one submission).

Submission:

Labcorp Genetics (formerly Invitae), Labcorp
Classification: Uncertain significance. Last evaluated: 2022-10-04. Review status: criteria provided, single submitter. Criteria: Invitae Variant Classification Sherloc (09022015). Collection method: clinical testing. Allele origin: germline.
Comment: In summary, the available evidence is currently insufficient to determine the role of this variant in disease. Therefore, it has been classified as a Variant of Uncertain Significance. Algorithms developed to predict the effect of missense changes on protein structure and function (SIFT, PolyPhen-2, Align-GVGD) all suggest that this variant is likely to be tolerated. This variant has not been reported in the literature in individuals affected with IMPG1-related conditions. This variant is not present in population databases (gnomAD no frequency). This sequence change replaces isoleucine, which is neutral and non-polar, with valine, which is neutral and non-polar, at codon 28 of the IMPG1 protein (p.Ile28Val).